The following is an entry in ClinVar:

NM_000260.4(MYO7A):c.2618G>A (p.Arg873Gln)

Gene: MYO7A (myosin VIIA; plus strand). Cytogenetic location: 11q13.5.
Variant type: single nucleotide variant.
Coding change: c.2618G>A on transcript NM_000260.4 (MANE Select); coding-DNA position 2618, G replaced by A.
Protein change: p.Arg873Gln; replaces arginine 873 with glutamine.
Molecular consequence: missense variant.
Genome position (GRCh38, 1-based): chr11:77,180,405, G>A. VCF-style: chr11-77180405-G-A. GRCh37 (hg19) VCF-style: chr11-76891451-G-A.
Other names: c.2618G>A, p.Arg873Gln (NM_001127180.2); c.2585G>A, p.Arg862Gln (NM_001369365.1); short protein forms R873Q, R862Q.
Identifiers: ClinVar variation 43189 (VCV000043189.21), dbSNP rs1052032, ClinGen allele CA132261.

ClinVar aggregate classification (germline): Uncertain significance. Review status: criteria provided, multiple submitters, no conflicts (2 of 4 stars). 9 submissions from 7 submitters: Uncertain significance (8). 1 of the submissions does not count toward it. Last evaluated 2026-01-22.

Conditions:
Inborn genetic diseases. Identifiers: MedGen C0950123, MeSH D030342.
Usher syndrome type 1 (USH1). Also called: RETINITIS PIGMENTOSA AND CONGENITAL DEAFNESS. Identifiers: Orphanet 231169, Orphanet 886, MedGen C1568247, MONDO:0010168, OMIM 276900.
Autosomal recessive nonsyndromic hearing loss 2. Also called: DEAFNESS, AUTOSOMAL RECESSIVE 2; NEUROSENSORY NONSYNDROMIC RECESSIVE DEAFNESS 2. Identifiers: Orphanet 90636, MedGen C1838701, MONDO:0010807, OMIM 600060.
Autosomal dominant nonsyndromic hearing loss 11. Identifiers: Orphanet 90635, MedGen C1832475, MONDO:0011032, OMIM 601317.
Usher syndrome type 1B (USH1B). Also called: Usher syndrome type IB. Identifiers: MedGen C1848638, MONDO:0700087.

Allele frequency attached by ClinVar (database versions not stated): gnomAD exomes 0.00011 and 0.00003; gnomAD 0.00002 and 0.00003; TOPMed 0.00007; ExAC 0.00008; ESP Exome Variant Server 0.00008.
gnomAD v4.1: 50 of 1,612,024 alleles (0.0031%); highest among the groups gnomAD compares: Admixed American, 0.045%; no homozygotes.

Submissions (9):

Labcorp Genetics (formerly Invitae), Labcorp
Classification: Uncertain significance. Last evaluated: 2026-01-22. Review status: criteria provided, single submitter. Criteria: Invitae Variant Classification Sherloc (09022015). Collection method: clinical testing. Allele origin: germline.
Comment: This sequence change replaces arginine, which is basic and polar, with glutamine, which is neutral and polar, at codon 873 of the MYO7A protein (p.Arg873Gln). This variant is present in population databases (rs1052032, gnomAD 0.06%). This variant has not been reported in the literature in individuals affected with MYO7A-related conditions. ClinVar contains an entry for this variant (Variation ID: 43189). Invitae Evidence Modeling of protein sequence and biophysical properties (such as structural, functional, and spatial information, amino acid conservation, physicochemical variation, residue mobility, and thermodynamic stability) has been performed for this missense variant. However, the output from this modeling did not meet the statistical confidence thresholds required to predict the impact of this variant on MYO7A protein function. In summary, the available evidence is currently insufficient to determine the role of this variant in disease. Therefore, it has been classified as a Variant of Uncertain Significance.

Ambry Genetics
Classification: Uncertain significance for Inborn genetic diseases. Last evaluated: 2025-06-07. Review status: criteria provided, single submitter. Criteria: Ambry Variant Classification Scheme 2023. Collection method: clinical testing. Allele origin: germline.

GeneDx
Classification: Uncertain significance. Last evaluated: 2022-12-28. Review status: criteria provided, single submitter. Criteria: GeneDx Variant Classification Process June 2021. Collection method: clinical testing. Allele origin: germline. Affected: yes.
Comment: In silico analysis supports that this missense variant does not alter protein structure/function; Has not been previously published as pathogenic or benign to our knowledge

Fulgent Genetics
Classification: Uncertain significance for Usher syndrome type 1; Autosomal recessive nonsyndromic hearing loss 2; Autosomal dominant nonsyndromic hearing loss 11. Last evaluated: 2021-08-26. Review status: criteria provided, single submitter. Criteria: ACMG Guidelines, 2015. Collection method: clinical testing. Allele origin: unknown.

Illumina Laboratory Services, Illumina
Classification: Uncertain significance for Autosomal dominant nonsyndromic hearing loss 11. Last evaluated: 2018-01-13. Review status: criteria provided, single submitter. Criteria: ICSL Variant Classification Criteria 13 December 2019. Collection method: clinical testing. Allele origin: germline.

Illumina Laboratory Services, Illumina
Classification: Uncertain significance for Usher syndrome type 1. Last evaluated: 2018-01-13. Review status: criteria provided, single submitter. Criteria: ICSL Variant Classification Criteria 13 December 2019. Collection method: clinical testing. Allele origin: germline.

Illumina Laboratory Services, Illumina
Classification: Uncertain significance for Autosomal recessive nonsyndromic hearing loss 2. Last evaluated: 2018-01-13. Review status: criteria provided, single submitter. Criteria: ICSL Variant Classification Criteria 13 December 2019. Collection method: clinical testing. Allele origin: germline.

Laboratory for Molecular Medicine, Mass General Brigham Personalized Medicine
Classification: Uncertain significance. Last evaluated: 2011-03-31. Review status: criteria provided, single submitter. Criteria: LMM Criteria. Collection method: clinical testing. Allele origin: germline. Observed: 1 variant allele.
Comment: Variant classified as Uncertain Significance - Favor Benign. The Arg873Gln varia nt in MYO7A has not been reported in the literature nor previously identified by our laboratory; however, it is recorded in dbSNP (rs1052032 - 1/188 Caucasian p robands). This residue is conserved across species and computational analyses (P olyPhen2, SIFT) suggest that the Arg873Gln variant may impact the protein. Howev er, this information is not predictive enough to assume pathogenicity. It should be noted that this lab has only sequenced the MYO7A in 34 Hispanic probands and no Hispanic healthy controls. In addition, healthy control information is unava ilable from either public databases or scientific literature, such that the full spectrum of benign variation has not yet been defined for this population. Futu re analysis could reveal that the Arg873Gln variant is common in this population and therefore unlikely to be pathogenic. In summary, the clinical significance of this variant cannot be determined with certainty at this time.

Natera, Inc.
Classification: Uncertain significance for Usher syndrome type 1B. Last evaluated: 2020-03-04. Review status: no assertion criteria provided. Collection method: clinical testing. Allele origin: germline. Not counted in ClinVar's aggregate classification.